The following is an entry in ClinVar:

NM_001267550.2(TTN):c.47323G>A (p.Val15775Ile)

Genes: TTN (titin; minus strand), TTN-AS1 (TTN antisense RNA 1; plus strand). Cytogenetic location: 2q31.2.
Variant type: single nucleotide variant.
Coding change: c.47323G>A on transcript NM_001267550.2 (MANE Select); coding-DNA position 47323, G replaced by A.
Protein change: p.Val15775Ile; replaces valine 15775 with isoleucine.
Molecular consequence: missense variant.
Genome position (GRCh38, 1-based): chr2:178,618,028, C>T on the plus strand (G>A on the coding strand, the complement: TTN is on the minus strand). VCF-style: chr2-178618028-C-T. GRCh37 (hg19) VCF-style: chr2-179482755-C-T.
Other names: c.42400G>A, p.Val14134Ile (NM_001256850.1); c.20128G>A, p.Val6710Ile (NM_003319.4); c.39619G>A, p.Val13207Ile (NM_133378.4); c.20503G>A, p.Val6835Ile (NM_133432.3); c.20704G>A, p.Val6902Ile (NM_133437.4); short protein forms V13207I, V14134I, V15775I, V6710I, V6835I, V6902I.
Identifiers: ClinVar variation 4076424 (VCV004076424.1).

ClinVar aggregate classification (germline): Likely benign (1 of 4 stars; one submission).

Submission:

Molecular Diagnostic Laboratory for Inherited Cardiovascular Disease, Montreal Heart Institute
Classification: Likely benign. Last evaluated: 2025-07-24. Review status: criteria provided, single submitter. Criteria: ACMG Guidelines, 2015. Collection method: clinical testing. Allele origin: germline. Affected: no.
Comment: BP1